The following is an entry in ClinVar:

ClinVar aggregate classification (germline): Likely benign. Review status: criteria provided, single submitter (1 of 4 stars). 2 submissions from 2 submitters: Likely benign (1). 1 of the submissions does not count toward it. Last evaluated 2026-01-25.

Conditions:
SCN3A-related disorder. Also called: SCN3A-related condition.

Allele frequency attached by ClinVar (database versions not stated): ExAC 0.00001; gnomAD exomes 0.00004; gnomAD 0.00006 and 0.00007; TOPMed 0.00006; ESP Exome Variant Server 0.00008.
gnomAD v4.1: 68 of 1,613,962 alleles (0.0042%); highest among the groups gnomAD compares: Non-Finnish European, 0.0056%; no homozygotes.

Submissions (2):

Labcorp Genetics (formerly Invitae), Labcorp
Classification: Likely benign. Last evaluated: 2026-01-25. Review status: criteria provided, single submitter. Criteria: Invitae Variant Classification Sherloc (09022015). Collection method: clinical testing. Allele origin: germline.

PreventionGenetics, part of Exact Sciences
Classification: Likely benign for SCN3A-related condition. Last evaluated: 2019-04-03. Review status: no assertion criteria provided. Collection method: clinical testing. Allele origin: germline. Not counted in ClinVar's aggregate classification.
Comment: This variant is classified as likely benign based on ACMG/AMP sequence variant interpretation guidelines (Richards et al. 2015 PMID: 25741868, with internal and published modifications).

NM_006922.4(SCN3A):c.5037T>C (p.Tyr1679=)

Gene: SCN3A (sodium voltage-gated channel alpha subunit 3; minus strand). Cytogenetic location: 2q24.3.
Variant type: single nucleotide variant.
Coding change: c.5037T>C on transcript NM_006922.4 (MANE Select); coding-DNA position 5037, T replaced by C.
Protein change: p.Tyr1679=; no amino-acid change (tyrosine 1679 retained).
Molecular consequence: synonymous variant.
Genome position (GRCh38, 1-based): chr2:165,091,116, A>G on the plus strand (T>C on the coding strand, the complement: SCN3A is on the minus strand). VCF-style: chr2-165091116-A-G. GRCh37 (hg19) VCF-style: chr2-165947626-A-G.
Other names: c.4890T>C, p.Tyr1630= (NM_001081676.2, NM_001081677.2).
Identifiers: ClinVar variation 699414 (VCV000699414.11), dbSNP rs149829270, ClinGen allele CA1938454.